The following is an entry in ClinVar:

NM_001351.4(DAZL):c.405T>C (p.Pro135=)

Gene: DAZL (deleted in azoospermia like; minus strand). Cytogenetic location: 3p24.3.
Variant type: single nucleotide variant.
Coding change: c.405T>C on transcript NM_001351.4 (MANE Select); coding-DNA position 405, T replaced by C.
Protein change: p.Pro135=; no amino-acid change (proline 135 retained).
Molecular consequence: synonymous variant.
Genome position (GRCh38, 1-based): chr3:16,596,843, A>G on the plus strand (T>C on the coding strand, the complement: DAZL is on the minus strand). VCF-style: chr3-16596843-A-G. GRCh37 (hg19) VCF-style: chr3-16638350-A-G.
Other names: c.465T>C, p.Pro155= (NM_001190811.2).
Identifiers: ClinVar variation 3039325 (VCV003039325.2), dbSNP rs115317726, ClinGen allele CA2280331.

ClinVar aggregate classification (germline): Benign (0 of 4 stars; one submission).

Conditions:
DAZL-related disorder. Also called: DAZL-related condition.

Allele frequency attached by ClinVar (database versions not stated): 1000 Genomes Project 0.00240; 1000 Genomes Project 30x 0.00297; ESP Exome Variant Server 0.00347; TOPMed 0.00475.
gnomAD v4.1: 1,272 of 1,613,820 alleles (0.079%); highest among the groups gnomAD compares: African/African-American, 1.5%; 13 homozygotes.

Submission:

PreventionGenetics, part of Exact Sciences
Classification: Benign for DAZL-related condition. Last evaluated: 2019-03-11. Review status: no assertion criteria provided. Collection method: clinical testing. Allele origin: germline.
Comment: This variant is classified as benign based on ACMG/AMP sequence variant interpretation guidelines (Richards et al. 2015 PMID: 25741868, with internal and published modifications).